The following is an entry in ClinVar:

ClinVar aggregate classification (germline): Uncertain significance (1 of 4 stars; one submission).

Allele frequency attached by ClinVar (database versions not stated): ExAC 0.00002; gnomAD exomes 0.00002; gnomAD 0.00005; TOPMed 0.00006.
gnomAD v4.1: 34 of 1,613,324 alleles (0.0021%); highest among the groups gnomAD compares: East Asian, 0.011%; no homozygotes.

Submission:

Labcorp Genetics (formerly Invitae), Labcorp
Classification: Uncertain significance. Last evaluated: 2021-11-17. Review status: criteria provided, single submitter. Criteria: Invitae Variant Classification Sherloc (09022015). Collection method: clinical testing. Allele origin: germline.
Comment: In summary, the available evidence is currently insufficient to determine the role of this variant in disease. Therefore, it has been classified as a Variant of Uncertain Significance. Variants that disrupt the consensus splice site are a relatively common cause of aberrant splicing (PMID: 17576681, 9536098). Algorithms developed to predict the effect of sequence changes on RNA splicing suggest that this variant is not likely to affect RNA splicing. This variant has not been reported in the literature in individuals affected with MDH2-related conditions. This variant is present in population databases (rs781958562, gnomAD 0.01%). This sequence change falls in intron 6 of the MDH2 gene. It does not directly change the encoded amino acid sequence of the MDH2 protein. It affects a nucleotide within the consensus splice site.

Literature cited by the submitters: PubMed 17576681; PubMed 9536098.

NM_005918.4(MDH2):c.633+6C>T

Gene: MDH2 (malate dehydrogenase 2; plus strand). Cytogenetic location: 7q11.23.
Variant type: single nucleotide variant.
Coding change: c.633+6C>T on transcript NM_005918.4 (MANE Select); 6 bases into the intron after coding-DNA position 633, C replaced by T.
Molecular consequence: intron variant.
Genome position (GRCh38, 1-based): chr7:76,063,598, C>T. VCF-style: chr7-76063598-C-T. GRCh37 (hg19) VCF-style: chr7-75692916-C-T.
Other names: c.507+6C>T (NM_001282403.2); c.312+6C>T (NM_001282404.2).
Identifiers: ClinVar variation 1466443 (VCV001466443.4), dbSNP rs781958562, ClinGen allele CA4305619.